The following is an entry in ClinVar:

NM_002890.3(RASA1):c.1318C>T (p.Pro440Ser)

Genes: CCNH (cyclin H; minus strand), RASA1 (RAS p21 protein activator 1; plus strand). Cytogenetic location: 5q14.3.
Variant type: single nucleotide variant.
Coding change: c.1318C>T on transcript NM_002890.3 (MANE Select); coding-DNA position 1318, C replaced by T.
Protein change: p.Pro440Ser; replaces proline 440 with serine.
Molecular consequence: missense variant. On other transcripts: intron variant (1).
Genome position (GRCh38, 1-based): chr5:87,353,221, C>T. VCF-style: chr5-87353221-C-T. GRCh37 (hg19) VCF-style: chr5-86649038-C-T.
Other names: c.787C>T, p.Pro263Ser (NM_022650.3); c.934-40426G>A (NM_001364075.2); short protein forms P440S, P263S.
Identifiers: ClinVar variation 4753506 (VCV004753506.1).

ClinVar aggregate classification (germline): Uncertain significance (1 of 4 stars; one submission).

Conditions:
Capillary malformation-arteriovenous malformation syndrome. Also called: Capillary malformation-arteriovenous malformation. Identifiers: Orphanet 137667, MedGen C1842180, MONDO:0012016.

Submission:

Labcorp Genetics (formerly Invitae), Labcorp
Classification: Uncertain significance for Capillary malformation-arteriovenous malformation syndrome. Last evaluated: 2025-10-01. Review status: criteria provided, single submitter. Criteria: Invitae Variant Classification Sherloc (09022015). Collection method: clinical testing. Allele origin: germline.
Comment: This sequence change replaces proline, which is neutral and non-polar, with serine, which is neutral and polar, at codon 440 of the RASA1 protein (p.Pro440Ser). This variant is present in population databases (no rsID available, gnomAD 0.0009%). This variant has not been reported in the literature in individuals affected with RASA1-related conditions. An algorithm developed to predict the effect of missense changes on protein structure and function (PolyPhen-2) suggests that this variant is likely to be tolerated. In summary, the available evidence is currently insufficient to determine the role of this variant in disease. Therefore, it has been classified as a Variant of Uncertain Significance.